The following is an entry in ClinVar:

NM_031935.3(HMCN1):c.14114C>A (p.Thr4705Asn)

Gene: HMCN1 (hemicentin 1; plus strand). Cytogenetic location: 1q31.1.
Variant type: single nucleotide variant.
Coding change: c.14114C>A on transcript NM_031935.3 (MANE Select); coding-DNA position 14114, C replaced by A.
Protein change: p.Thr4705Asn; replaces threonine 4705 with asparagine.
Molecular consequence: missense variant.
Genome position (GRCh38, 1-based): chr1:186,144,551, C>A. VCF-style: chr1-186144551-C-A. GRCh37 (hg19) VCF-style: chr1-186113683-C-A.
Other names: short protein forms T4705N.
Identifiers: ClinVar variation 1935170 (VCV001935170.5), dbSNP rs1346791146, ClinGen allele CA343915053.
Genomic context (GRCh38, chr1:186,144,551, plus strand): 5'-CCTAGGTAGTAAGAAAGCATGTACCTTTTTCCCTTATTCCAGTTCATGGCAAGTGGGCGA[C>A]TTGGGCCAGTTGGAGTGCCTGTTCTGTGTCATGTGGAGGAGGTGCCAGACAGAGAACAAG-3'
Protein context (NP_114141.2, residues 4695-4715): RNCPIHGKWA[Thr4705Asn]WASWSACSVS

ClinVar aggregate classification (germline): Uncertain significance (1 of 4 stars; one submission).

gnomAD v4.1: 4 of 1,614,058 alleles (0.00025%); highest among the groups gnomAD compares: Non-Finnish European, 0.00034%; no homozygotes.

Submission:

Labcorp Genetics (formerly Invitae), Labcorp
Classification: Uncertain significance. Last evaluated: 2023-07-03. Review status: criteria provided, single submitter. Criteria: Invitae Variant Classification Sherloc (09022015). Collection method: clinical testing. Allele origin: germline.
Comment: ClinVar contains an entry for this variant (Variation ID: 1935170). In summary, the available evidence is currently insufficient to determine the role of this variant in disease. Therefore, it has been classified as a Variant of Uncertain Significance. An algorithm developed to predict the effect of missense changes on protein structure and function (PolyPhen-2) suggests that this variant is likely to be tolerated. This variant has not been reported in the literature in individuals affected with HMCN1-related conditions. This variant is present in population databases (no rsID available, gnomAD 0.0009%). This sequence change replaces threonine, which is neutral and polar, with asparagine, which is neutral and polar, at codon 4705 of the HMCN1 protein (p.Thr4705Asn).